The following is an entry in ClinVar:

ClinVar aggregate classification (germline): Conflicting classifications of pathogenicity. Review status: criteria provided, conflicting classifications (1 of 4 stars). 7 submissions from 7 submitters: Pathogenic (1); Likely pathogenic (2); Uncertain significance (4). Last evaluated 2025-12-15.

Conditions:
Autosomal recessive limb-girdle muscular dystrophy type 2D (LGMDR3). Also called: DUCHENNE-LIKE AUTOSOMAL RECESSIVE MUSCULAR DYSTROPHY, TYPE 2; ADHALINOPATHY, PRIMARY; MUSCULAR DYSTROPHY, LIMB-GIRDLE, AUTOSOMAL RECESSIVE 3. Identifiers: Orphanet 62, MedGen C2936332, MONDO:0011968, OMIM 608099. Disease mechanism: Affects gamma-sarcoglycan and also disrupts the integrity of the entire sarcoglycan complex..

Allele frequency attached by ClinVar (database versions not stated): gnomAD 0.00001; gnomAD exomes 0.00001 and 0.00002; TOPMed 0.00001; ExAC 0.00002.

Submissions (7):

Natera, Inc.
Classification: Likely pathogenic for Limb-girdle muscular dystrophy type 2D. Last evaluated: 2025-12-15. Review status: criteria provided, single submitter. Criteria: Natera Variant Classification Schema (03/2026). Collection method: clinical testing. Allele origin: germline.
Comment: The c.190G>A variant in SGCA is a missense variant predicted to cause substitution of alanine to threonine at amino acid 64. This variant is rare in the general population with a frequency below the threshold expected for the associated phenotype(s). This variant has been observed in one or more individuals affected with the associated recessive disease, as either homozygous or compound heterozygous with a second variant (PMID: 39755676). This variant has been identified in one or more affected individual with a phenotype highly consistent with the associated gene (PMID: 39755676). Computational prediction algorithms indicate this variant is likely to affect gene or protein function. Given the available evidence, this variant is classified as Likely Pathogenic.

Labcorp Genetics (formerly Invitae), Labcorp
Classification: Pathogenic for Autosomal recessive limb-girdle muscular dystrophy type 2D. Last evaluated: 2024-11-04. Review status: criteria provided, single submitter. Criteria: Invitae Variant Classification Sherloc (09022015). Collection method: clinical testing. Allele origin: germline.
Comment: This sequence change replaces alanine, which is neutral and non-polar, with threonine, which is neutral and polar, at codon 64 of the SGCA protein (p.Ala64Thr). This variant is present in population databases (rs759692350, gnomAD 0.01%). This missense change has been observed in individual(s) with clinical features of SGCA-related conditions (PMID: 30218921; internal data). In at least one individual the data is consistent with being in trans (on the opposite chromosome) from a pathogenic variant. ClinVar contains an entry for this variant (Variation ID: 290930). Invitae Evidence Modeling of protein sequence and biophysical properties (such as structural, functional, and spatial information, amino acid conservation, physicochemical variation, residue mobility, and thermodynamic stability) indicates that this missense variant is expected to disrupt SGCA protein function with a positive predictive value of 95%. For these reasons, this variant has been classified as Pathogenic.

Baylor Genetics
Classification: Likely pathogenic for Autosomal recessive limb-girdle muscular dystrophy type 2D. Last evaluated: 2024-02-23. Review status: criteria provided, single submitter. Criteria: ACMG Guidelines, 2015. Collection method: clinical testing. Allele origin: unknown.

Revvity Omics, Revvity
Classification: Uncertain significance for Autosomal recessive limb-girdle muscular dystrophy type 2D. Last evaluated: 2024-01-03. Review status: criteria provided, single submitter. Criteria: ACMG Guidelines, 2015. Collection method: clinical testing. Allele origin: germline.

Genome-Nilou Lab
Classification: Uncertain significance for Autosomal recessive limb-girdle muscular dystrophy type 2D. Last evaluated: 2023-02-08. Review status: criteria provided, single submitter. Criteria: ACMG Guidelines, 2015. Collection method: clinical testing. Allele origin: germline.

Eurofins Ntd Llc (ga)
Classification: Uncertain significance. Last evaluated: 2016-08-24. Review status: criteria provided, single submitter. Criteria: EGL Classification Definitions 2015. Collection method: clinical testing. Allele origin: germline. Observed: 1 variant allele, 1 heterozygote.

Neuberg Centre For Genomic Medicine, NCGM
Classification: Uncertain significance for Autosomal recessive limb-girdle muscular dystrophy type 2D. Review status: criteria provided, single submitter. Criteria: ACMG Guidelines, 2015. Collection method: clinical testing. Allele origin: germline. Inheritance: Autosomal recessive inheritance. Affected: yes.
Comment: The missense variant c.190G>A (p.Ala64Thr) in SGCA gene has been submitted to ClinVar as a Variant of Uncertain Significance, but no details are available for independent assessment. It has not been reported in affected individuals. This variant is reported with the allele frequency (0.001%) in the gnomAD and novel in 1000 genome database. The amino acid Ala at position 64 is changed to a Thr changing protein sequence and it might alter its composition and physico-chemical properties. The amino acid change p.Ala64Thr in SGCA is predicted as conserved by GERP++ and PhyloP across 100 vertebrates. For these reasons, this variant has been classified as Variant of Uncertain Significance (VUS).

Literature cited by the submitters: PubMed 39755676 (cited by Natera, Inc.); PubMed 30218921 (cited by Labcorp Genetics (formerly Invitae), Labcorp).

NM_000023.4(SGCA):c.190G>A (p.Ala64Thr)

Gene: SGCA (sarcoglycan alpha; plus strand). Cytogenetic location: 17q21.33.
Variant type: single nucleotide variant.
Coding change: c.190G>A on transcript NM_000023.4 (MANE Select); coding-DNA position 190, G replaced by A.
Protein change: p.Ala64Thr; replaces alanine 64 with threonine.
Molecular consequence: missense variant. On other transcripts: non-coding transcript variant (1).
Genome position (GRCh38, 1-based): chr17:50,167,614, G>A. VCF-style: chr17-50167614-G-A. GRCh37 (hg19) VCF-style: chr17-48244975-G-A.
Other names: c.190G>A (NM_000023.3); c.190G>A, p.Ala64Thr (NM_001135697.3); short protein forms A64T.
Identifiers: ClinVar variation 290930 (VCV000290930.20), dbSNP rs759692350, ClinGen allele CA8643731.
Genomic context (GRCh38, chr17:50,167,614, plus strand): 5'-TCGAATCCCCTCTCCTCGCTTCCACCAGCTGTCCCACCCGCTGTCCACATCACCTACCAC[G>A]CCCACCTCCAGGGACACCCAGACCTGCCCCGGTGGCTCCGCTACACCCAGCGCAGCCCCC-3'
Protein context (NP_000014.1, residues 54-74): VPPAVHITYH[Ala64Thr]HLQGHPDLPR